The following is an entry in ClinVar:

ClinVar aggregate classification (germline): Uncertain significance (1 of 4 stars; one submission).

Allele frequency attached by ClinVar (database versions not stated): gnomAD exomes below 0.00001; TOPMed below 0.00001.
gnomAD v4.1: 3 of 1,603,318 alleles (0.00019%); highest among the groups gnomAD compares: South Asian, 0.0022%; no homozygotes.

Submission:

Labcorp Genetics (formerly Invitae), Labcorp
Classification: Uncertain significance. Last evaluated: 2022-05-11. Review status: criteria provided, single submitter. Criteria: Invitae Variant Classification Sherloc (09022015). Collection method: clinical testing. Allele origin: germline.
Comment: In summary, the available evidence is currently insufficient to determine the role of this variant in disease. Therefore, it has been classified as a Variant of Uncertain Significance. Algorithms developed to predict the effect of missense changes on protein structure and function are either unavailable or do not agree on the potential impact of this missense change (SIFT: "Tolerated"; PolyPhen-2: "Probably Damaging"; Align-GVGD: "Class C0"). This variant has not been reported in the literature in individuals affected with C2CD3-related conditions. This variant is present in population databases (no rsID available, gnomAD 0.0009%). This sequence change replaces glycine, which is neutral and non-polar, with arginine, which is basic and polar, at codon 237 of the C2CD3 protein (p.Gly237Arg).

NM_001286577.2(C2CD3):c.709G>A (p.Gly237Arg)

Gene: C2CD3 (C2 domain containing 3 centriole elongation regulator; minus strand). Cytogenetic location: 11q13.4.
Variant type: single nucleotide variant.
Coding change: c.709G>A on transcript NM_001286577.2 (MANE Select); coding-DNA position 709, G replaced by A.
Protein change: p.Gly237Arg; replaces glycine 237 with arginine.
Molecular consequence: missense variant.
Genome position (GRCh38, 1-based): chr11:74,138,966, C>T on the plus strand (G>A on the coding strand, the complement: C2CD3 is on the minus strand). VCF-style: chr11-74138966-C-T. GRCh37 (hg19) VCF-style: chr11-73850011-C-T.
Other names: c.709G>A, p.Gly237Arg (NM_015531.6); short protein forms G237R.
Identifiers: ClinVar variation 2124834 (VCV002124834.4), dbSNP rs1263201153, ClinGen allele CA381817099.